The following is an entry in ClinVar:

NM_001379403.1(WDR26):c.356del (p.Gly119fs)

Gene: WDR26 (WD repeat domain 26; minus strand). Cytogenetic location: 1q42.12.
Variant type: Deletion.
Coding change: c.356del on transcript NM_001379403.1 (MANE Select); coding-DNA position 356, one base deleted (G; older notation c.356delG).
Protein change: p.Gly119fs; shifts the reading frame from glycine 119.
Molecular consequence: frameshift variant.
Genome position (GRCh38, 1-based): chr1:224,434,050, C deleted on the plus strand (G on the coding strand, the reverse complement: WDR26 is on the minus strand); the first of 2 consecutive C bases (chr1:224,434,050-224,434,051); deleting either gives the same sequence. VCF-style (leftmost placement, unchanged base first): chr1-224434049-TC-T. GRCh37 (hg19) VCF-style: chr1-224621751-TC-T.
Other names: c.56delG (NM_025160.6); c.56del, p.Gly19fs (NM_001115113.3, NM_025160.7); short protein forms G19fs, G119fs.
Identifiers: ClinVar variation 452733 (VCV000452733.2), dbSNP rs1553364049, ClinGen allele CA658655633.

ClinVar aggregate classification (germline): Pathogenic (1 of 4 stars; one submission).

Submission:

GeneDx
Classification: Pathogenic. Last evaluated: 2017-10-24. Review status: criteria provided, single submitter. Criteria: GeneDx Variant Classification (06012015). Collection method: clinical testing. Allele origin: germline. Affected: yes.
Comment: The c.56delG variant in the WDR26 gene has not been reported previously as a pathogenic variant nor as a benign variant, to our knowledge. The c.56delG variant causes a frameshift starting with codon Glycine 19, changes this amino acid to a Glutamic Acid residue, and creates a premature Stop codon at position 56 of the new reading frame, denoted p.Gly19GlufsX56. This variant is predicted to cause loss of normal protein function either through protein truncation or nonsense-mediated mRNA decay. The c.56delG variant is not observed in large population cohorts (Lek et al., 2016). We interpret c.56delG as a pathogenic variant.